The following is an entry in ClinVar:

ClinVar aggregate classification (germline): Uncertain significance (1 of 4 stars; one submission).

Conditions:
Costello syndrome (CSTLO). Also called: FCS SYNDROME; HRAS-Related Costello Syndrome; FACIOCUTANEOSKELETAL SYNDROME. Identifiers: Orphanet 3071, MedGen C0587248, MONDO:0009026, OMIM 218040.

Submission:

Labcorp Genetics (formerly Invitae), Labcorp
Classification: Uncertain significance for Costello syndrome. Last evaluated: 2022-09-06. Review status: criteria provided, single submitter. Criteria: Invitae Variant Classification Sherloc (09022015). Collection method: clinical testing. Allele origin: germline.
Comment: In summary, the available evidence is currently insufficient to determine the role of this variant in disease. Therefore, it has been classified as a Variant of Uncertain Significance. Advanced modeling of protein sequence and biophysical properties (such as structural, functional, and spatial information, amino acid conservation, physicochemical variation, residue mobility, and thermodynamic stability) performed at Invitae indicates that this missense variant is expected to disrupt HRAS protein function. This variant has not been reported in the literature in individuals affected with HRAS-related conditions. This variant is not present in population databases (gnomAD no frequency). This sequence change replaces valine, which is neutral and non-polar, with leucine, which is neutral and non-polar, at codon 7 of the HRAS protein (p.Val7Leu).

NM_005343.4(HRAS):c.19G>T (p.Val7Leu)

Genes: HRAS (HRas proto-oncogene, GTPase; minus strand), LRRC56 (leucine rich repeat containing 56; plus strand). Cytogenetic location: 11p15.5.
Variant type: single nucleotide variant.
Coding change: c.19G>T on transcript NM_005343.4 (MANE Select); coding-DNA position 19, G replaced by T.
Protein change: p.Val7Leu; replaces valine 7 with leucine.
Molecular consequence: missense variant. On other transcripts: 5 prime UTR variant (1).
Genome position (GRCh38, 1-based): chr11:534,304, C>A on the plus strand (G>T on the coding strand, the complement: HRAS is on the minus strand). VCF-style: chr11-534304-C-A. GRCh37 (hg19) VCF-style: chr11-534304-C-A.
Other names: c.19G>T, p.Val7Leu (NM_001130442.3, NM_176795.5); c.-301G>T (NM_001318054.2); short protein forms V7L.
Identifiers: ClinVar variation 1718940 (VCV001718940.6), dbSNP rs2133995093, ClinGen allele CA378926169.